The following is an entry in ClinVar:

ClinVar aggregate classification (germline): Uncertain significance. Review status: criteria provided, multiple submitters, no conflicts (2 of 4 stars). 2 submissions from 2 submitters: Uncertain significance (2). Last evaluated 2021-12-02.

Conditions:
Hereditary cancer-predisposing syndrome. Also called: Hereditary Cancer Syndrome; Hereditary neoplastic syndrome; Neoplastic Syndromes, Hereditary; Tumor predisposition. Identifiers: Orphanet 140162, MedGen C0027672, MeSH D009386, MONDO:0015356.

gnomAD v4.1: 1 of 1,595,670 alleles (0.000063%); highest among the groups gnomAD compares: Non-Finnish European, 0.000086%; no homozygotes.

Submissions (2):

Labcorp Genetics (formerly Invitae), Labcorp
Classification: Uncertain significance. Last evaluated: 2021-12-02. Review status: criteria provided, single submitter. Criteria: Invitae Variant Classification Sherloc (09022015). Collection method: clinical testing. Allele origin: germline.
Comment: Algorithms developed to predict the effect of missense changes on protein structure and function output the following: SIFT: "Tolerated"; PolyPhen-2: "Benign"; Align-GVGD: "Class C0". The aspartic acid amino acid residue is found in multiple mammalian species, which suggests that this missense change does not adversely affect protein function. This variant has not been reported in the literature in individuals affected with MSH3-related conditions. This variant is not present in population databases (gnomAD no frequency). This sequence change replaces glycine, which is neutral and non-polar, with aspartic acid, which is acidic and polar, at codon 491 of the MSH3 protein (p.Gly491Asp). In summary, the available evidence is currently insufficient to determine the role of this variant in disease. Therefore, it has been classified as a Variant of Uncertain Significance.

Ambry Genetics
Classification: Uncertain significance for Hereditary cancer-predisposing syndrome. Last evaluated: 2020-12-31. Review status: criteria provided, single submitter. Criteria: Ambry Variant Classification Scheme 2023. Collection method: clinical testing. Allele origin: germline.
Comment: The p.G491D variant (also known as c.1472G>A), located in coding exon 10 of the MSH3 gene, results from a G to A substitution at nucleotide position 1472. The glycine at codon 491 is replaced by aspartic acid, an amino acid with similar properties. This amino acid position is not well conserved in available vertebrate species. In addition, this alteration is predicted to be tolerated by in silico analysis. Since supporting evidence is limited at this time, the clinical significance of this alteration remains unclear.

NM_002439.5(MSH3):c.1472G>A (p.Gly491Asp)

Gene: MSH3 (mutS homolog 3; plus strand). Cytogenetic location: 5q14.1.
Variant type: single nucleotide variant.
Coding change: c.1472G>A on transcript NM_002439.5 (MANE Select); coding-DNA position 1472, G replaced by A.
Protein change: p.Gly491Asp; replaces glycine 491 with aspartic acid.
Molecular consequence: missense variant.
Genome position (GRCh38, 1-based): chr5:80,728,869, G>A. VCF-style: chr5-80728869-G-A. GRCh37 (hg19) VCF-style: chr5-80024688-G-A.
Other names: short protein forms G491D.
Identifiers: ClinVar variation 1773385 (VCV001773385.7), dbSNP rs749116282, ClinGen allele CA360274178.